The following is an entry in ClinVar:

NM_002691.4(POLD1):c.384C>T (p.Phe128=)

Gene: POLD1 (DNA polymerase delta 1, catalytic subunit; plus strand). Cytogenetic location: 19q13.33.
Variant type: single nucleotide variant.
Coding change: c.384C>T on transcript NM_002691.4 (MANE Select); coding-DNA position 384, C replaced by T.
Protein change: p.Phe128=; no amino-acid change (phenylalanine 128 retained).
Molecular consequence: synonymous variant. On other transcripts: non-coding transcript variant (1).
Genome position (GRCh38, 1-based): chr19:50,401,845, C>T. VCF-style: chr19-50401845-C-T. GRCh37 (hg19) VCF-style: chr19-50905102-C-T.
Other names: c.384C>T, p.Phe128= (NM_001256849.1, NM_001308632.1).
Identifiers: ClinVar variation 220691 (VCV000220691.23), dbSNP rs571335388, ClinGen allele CA350196.

ClinVar aggregate classification (germline): Likely benign. Review status: criteria provided, multiple submitters, no conflicts (2 of 4 stars). 6 submissions from 6 submitters: Likely benign (5). 1 of the submissions does not count toward it. Last evaluated 2026-01-13.

Conditions:
Hereditary cancer-predisposing syndrome. Also called: Tumor predisposition; Hereditary Cancer Syndrome; Neoplastic Syndromes, Hereditary; Hereditary neoplastic syndrome. Identifiers: Orphanet 140162, MedGen C0027672, MeSH D009386, MONDO:0015356.
Immunodeficiency 120. Identifiers: MedGen C5935622, MONDO:0970994, OMIM 620836.
Mandibular hypoplasia-deafness-progeroid syndrome. Also called: Mandibular hypoplasia, deafness, progeroid features, and lipodystrophy syndrome. Identifiers: Orphanet 363649, MedGen C3715192, MONDO:0014157, OMIM 615381.
POLD1-related polyposis and colorectal cancer syndrome (CRCS10). Also called: Colorectal cancer 10; COLORECTAL CANCER, SUSCEPTIBILITY TO, ON CHROMOSOME 19q; Colorectal cancer, susceptibility to, 10. Identifiers: Orphanet 220460, MedGen C2675481, MONDO:0012953, OMIM 612591.
POLD1-related disorder. Also called: POLD1-related condition; POLD1-related disorders.

Allele frequency attached by ClinVar (database versions not stated): gnomAD exomes 0.00002 and 0.00005; gnomAD 0.00004 and 0.00005; ExAC 0.00006; TOPMed 0.00006; 1000 Genomes Project 30x 0.00031; 1000 Genomes Project 0.00040.
gnomAD v4.1: 19 of 1,613,964 alleles (0.0012%); highest among the groups gnomAD compares: African/African-American, 0.017%; no homozygotes.

Submissions (6):

Labcorp Genetics (formerly Invitae), Labcorp
Classification: Likely benign for POLD1-related polyposis and colorectal cancer syndrome. Last evaluated: 2026-01-13. Review status: criteria provided, single submitter. Criteria: Invitae Variant Classification Sherloc (09022015). Collection method: clinical testing. Allele origin: germline.

Center for Genomic Medicine, Rigshospitalet, Copenhagen University Hospital
Classification: Likely benign. Last evaluated: 2025-03-04. Review status: criteria provided, single submitter. Criteria: ACMG Guidelines, 2015. Collection method: clinical testing. Allele origin: germline.

Department of Pathology and Laboratory Medicine, Sinai Health System
Classification: Likely benign for POLD1-related polyposis and colorectal cancer syndrome; Mandibular hypoplasia-deafness-progeroid syndrome; Immunodeficiency 120. Last evaluated: 2024-12-30. Review status: criteria provided, single submitter. Criteria: ACMG Guidelines, 2015. Collection method: clinical testing. Allele origin: germline.

GeneDx
Classification: Likely benign. Last evaluated: 2020-12-28. Review status: criteria provided, single submitter. Criteria: GeneDx Variant Classification Process June 2021. Collection method: clinical testing. Allele origin: germline. Affected: yes.

Ambry Genetics
Classification: Likely benign for Hereditary cancer-predisposing syndrome. Last evaluated: 2016-01-19. Review status: criteria provided, single submitter. Criteria: Ambry Variant Classification Scheme 2023. Collection method: clinical testing. Allele origin: germline.

PreventionGenetics, part of Exact Sciences
Classification: Likely benign for POLD1-related condition. Last evaluated: 2019-09-13. Review status: no assertion criteria provided. Collection method: clinical testing. Allele origin: germline. Not counted in ClinVar's aggregate classification.
Comment: This variant is classified as likely benign based on ACMG/AMP sequence variant interpretation guidelines (Richards et al. 2015 PMID: 25741868, with internal and published modifications).